The following is an entry in ClinVar:

ClinVar aggregate classification (germline): Uncertain significance. Review status: criteria provided, single submitter (1 of 4 stars). 2 submissions from 2 submitters: Uncertain significance (1). 1 of the submissions does not count toward it. Last evaluated 2024-08-12.

Conditions:
Autosomal dominant polycystic liver disease. Also called: Polycystic liver disease; Congenital cystic disease of liver. Identifiers: Orphanet 2924, MedGen C0158683, MONDO:0000447, HP:0006557.

Allele frequency attached by ClinVar (database versions not stated): gnomAD 0.00001; gnomAD exomes 0.00001; TOPMed 0.00003.
gnomAD v4.1: 19 of 1,612,154 alleles (0.0012%); highest among the groups gnomAD compares: Admixed American, 0.0017%; no homozygotes.

Submissions (2):

GeneDx
Classification: Uncertain significance. Last evaluated: 2024-08-12. Review status: criteria provided, single submitter. Criteria: GeneDx Variant Classification Process June 2021. Collection method: clinical testing. Allele origin: germline.
Comment: Reported in a patient with congenital anomalies of the kidney and urinary tract in published literature (PMID: 36573973); Not observed at significant frequency in large population cohorts (gnomAD); In silico analysis indicates that this missense variant does not alter protein structure/function; This variant is associated with the following publications: (PMID: 36573973)

Laboratory of Gastroenterology and Hepatology, Radboud University Medical Center
Classification: Likely benign for Autosomal dominant polycystic liver disease. Last evaluated: 2021-09-01. Review status: no assertion criteria provided. Collection method: research. Allele origin: germline. Affected: yes. Not counted in ClinVar's aggregate classification.

NM_138694.4(PKHD1):c.422A>G (p.Gln141Arg)

Gene: PKHD1 (PKHD1 ciliary IPT domain containing fibrocystin/polyductin; minus strand). Cytogenetic location: 6p12.2.
Variant type: single nucleotide variant.
Coding change: c.422A>G on transcript NM_138694.4 (MANE Select); coding-DNA position 422, A replaced by G.
Protein change: p.Gln141Arg; replaces glutamine 141 with arginine.
Molecular consequence: missense variant.
Genome position (GRCh38, 1-based): chr6:52,076,302, T>C on the plus strand (A>G on the coding strand, the complement: PKHD1 is on the minus strand). VCF-style: chr6-52076302-T-C. GRCh37 (hg19) VCF-style: chr6-51941100-T-C.
Other names: c.422A>G (NM_138694.3); c.422A>G, p.Gln141Arg (NM_170724.3); short protein forms Q141R.
Identifiers: ClinVar variation 1255559 (VCV001255559.5), dbSNP rs202133636, ClinGen allele CA138929112.